The following is an entry in ClinVar:

ClinVar aggregate classification (germline): Uncertain significance (1 of 4 stars; one submission).

Conditions:
Cardiovascular phenotype. Identifiers: MedGen CN230736.

Submission:

Ambry Genetics
Classification: Uncertain significance for Cardiovascular phenotype. Last evaluated: 2026-02-19. Review status: criteria provided, single submitter. Criteria: Ambry Variant Classification Scheme 2023. Collection method: clinical testing. Allele origin: germline.
Comment: The c.1024_1025delAAinsGC variant (also known as p.K342A), located in coding exon 8 of the NEXN gene, results from an in-frame deletion of AA and insertion of GC at nucleotide positions 1024 to 1025. This results in the substitution of the lysine residue for an alanine residue at codon 342, an amino acid with dissimilar properties. This amino acid position is not well conserved in available vertebrate species. In addition, this variant is predicted to be neutral by in silico analysis (Choi Y et al. PLoS ONE. 2012; 7(10):e46688). Based on the available evidence, the clinical significance of this variant remains unclear.

NM_144573.4(NEXN):c.1024_1025delinsGC (p.Lys342Ala)

Gene: NEXN (nexilin F-actin binding protein; plus strand). Cytogenetic location: 1p31.1.
Variant type: Indel.
Coding change: c.1024_1025delinsGC on transcript NM_144573.4 (MANE Select); coding-DNA positions 1024 to 1025, AA replaced by GC.
Protein change: p.Lys342Ala; replaces lysine 342 with alanine.
Molecular consequence: missense variant.
Genome position (GRCh38, 1-based): chr1:77,929,475-77,929,476, AA replaced by GC. VCF-style: chr1-77929475-AA-GC. GRCh37 (hg19) VCF-style: chr1-78395160-AA-GC.
Other names: c.832_833delinsGC, p.Lys278Ala (NM_001172309.2); short protein forms K342A, K278A.
Identifiers: ClinVar variation 4824078 (VCV004824078.1).